The following is an entry in ClinVar:

ClinVar aggregate classification (germline): Uncertain significance (1 of 4 stars; one submission).

Conditions:
Chuvash polycythemia. Also called: POLYCYTHEMIA, VHL-DEPENDENT. Identifiers: Orphanet 238557, MedGen C1837915, MONDO:0009892, OMIM 263400.
Von Hippel-Lindau syndrome (VHLS). Also called: VHL syndrome; von Hippel–Lindau syndrome; Von Hippel-Lindau. Identifiers: Orphanet 892, MedGen C0019562, MONDO:0008667, OMIM 193300. Disease mechanism: loss of function.

Submission:

Labcorp Genetics (formerly Invitae), Labcorp
Classification: Uncertain significance for Von Hippel-Lindau syndrome; Chuvash polycythemia. Last evaluated: 2024-06-14. Review status: criteria provided, single submitter. Criteria: Invitae Variant Classification Sherloc (09022015). Collection method: clinical testing. Allele origin: germline.
Comment: This sequence change falls in intron 1 of the VHL gene. It is not expected to change the encoded amino acid sequence of the VHL protein. However, this sequence change falls within a cryptic exon in the VHL gene, known as exon E1’, which is naturally expressed at low levels in several human tissues (PMID: 29891534). This variant is not present in population databases (gnomAD no frequency). This variant has not been reported in the literature in individuals affected with VHL-related conditions. Algorithms developed to predict the effect of sequence changes on RNA splicing suggest that this variant is not likely to affect RNA splicing. In summary, the available evidence is currently insufficient to determine the role of this variant in disease. Therefore, it has been classified as a Variant of Uncertain Significance.

Literature cited by the submitters: PubMed 29891534.

NM_000551.4(VHL):c.340+642G>C

Genes: VHL (von Hippel-Lindau tumor suppressor; plus strand), LOC107303340 (3p25 von Hippel-Lindau tumor suppressor, E3 ubiquitin protein ligase Alu-mediated recombination region; plus strand). Cytogenetic location: 3p25.3.
Variant type: single nucleotide variant.
Coding change: c.340+642G>C on transcript NM_000551.4 (MANE Select); 642 bases into the intron after coding-DNA position 340, G replaced by C.
Molecular consequence: intron variant. On other transcripts: missense variant (1), non-coding transcript variant (1).
Genome position (GRCh38, 1-based): chr3:10,142,829, G>C. VCF-style: chr3-10142829-G-C. GRCh37 (hg19) VCF-style: chr3-10184513-G-C.
Other names: c.407G>C, p.Gly136Ala (NM_001354723.2); c.340+642G>C (NM_198156.3); short protein forms G136A.
Identifiers: ClinVar variation 3752041 (VCV003752041.2).
Genomic context (GRCh38, chr3:10,142,829, plus strand): 5'-TGACTCCAGTGGGCCAGTTCTGCGTAGTCCCTGCCCTCGTGGAGAACACATTCCTCCTGG[G>C]GAGACTGACAGATGCAAAGACAGGAACAAGCCAGGGTCATGTTGGCGCCGGAAGAGCCGA-3'